The following is an entry in ClinVar:

NM_005996.4(TBX3):c.669C>T (p.Asn223=)

Gene: TBX3 (T-box transcription factor 3; minus strand). Cytogenetic location: 12q24.21.
Variant type: single nucleotide variant.
Coding change: c.669C>T on transcript NM_005996.4 (MANE Select); coding-DNA position 669, C replaced by T.
Protein change: p.Asn223=; no amino-acid change (asparagine 223 retained).
Molecular consequence: synonymous variant.
Genome position (GRCh38, 1-based): chr12:114,679,640, G>A on the plus strand (C>T on the coding strand, the complement: TBX3 is on the minus strand). VCF-style: chr12-114679640-G-A. GRCh37 (hg19) VCF-style: chr12-115117445-G-A.
Other names: c.729C>T, p.Asn243= (NM_016569.4).
Identifiers: ClinVar variation 3350020 (VCV003350020.1).

ClinVar aggregate classification (germline): Likely benign (0 of 4 stars; one submission).

Conditions:
TBX3-related disorder. Also called: TBX3-related condition.

Submission:

PreventionGenetics, part of Exact Sciences
Classification: Likely benign for TBX3-related condition. Last evaluated: 2024-02-01. Review status: no assertion criteria provided. Collection method: clinical testing. Allele origin: germline.
Comment: This variant is classified as likely benign based on ACMG/AMP sequence variant interpretation guidelines (Richards et al. 2015 PMID: 25741868, with internal and published modifications).